The following is an entry in ClinVar:

NM_174916.3(UBR1):c.5062C>T (p.Pro1688Ser)

Gene: UBR1 (ubiquitin protein ligase E3 component n-recognin 1; minus strand). Cytogenetic location: 15q15.2.
Variant type: single nucleotide variant.
Coding change: c.5062C>T on transcript NM_174916.3 (MANE Select); coding-DNA position 5062, C replaced by T.
Protein change: p.Pro1688Ser; replaces proline 1688 with serine.
Molecular consequence: missense variant.
Genome position (GRCh38, 1-based): chr15:42,950,308, G>A on the plus strand (C>T on the coding strand, the complement: UBR1 is on the minus strand). VCF-style: chr15-42950308-G-A. GRCh37 (hg19) VCF-style: chr15-43242506-G-A.
Other names: c.5062C>T (NM_174916.2); short protein forms P1688S.
Identifiers: ClinVar variation 2419904 (VCV002419904.3), dbSNP rs774222169, ClinGen allele CA7517692.

ClinVar aggregate classification (germline): Uncertain significance. Review status: criteria provided, multiple submitters, no conflicts (2 of 4 stars). 2 submissions from 2 submitters: Uncertain significance (2). Last evaluated 2025-01-22.

Conditions:
Inborn genetic diseases. Identifiers: MedGen C0950123, MeSH D030342.

Allele frequency attached by ClinVar (database versions not stated): ExAC 0.00002; gnomAD 0.00002; TOPMed 0.00003; gnomAD exomes 0.00007.
gnomAD v4.1: 103 of 1,614,018 alleles (0.0064%); highest among the groups gnomAD compares: Non-Finnish European, 0.0084%; no homozygotes.

Submissions (2):

Ambry Genetics
Classification: Uncertain significance for Inborn genetic diseases. Last evaluated: 2025-01-22. Review status: criteria provided, single submitter. Criteria: Ambry Variant Classification Scheme 2023. Collection method: clinical testing. Allele origin: germline.

Labcorp Genetics (formerly Invitae), Labcorp
Classification: Uncertain significance. Last evaluated: 2022-05-25. Review status: criteria provided, single submitter. Criteria: Invitae Variant Classification Sherloc (09022015). Collection method: clinical testing. Allele origin: germline.
Comment: This sequence change replaces proline, which is neutral and non-polar, with serine, which is neutral and polar, at codon 1688 of the UBR1 protein (p.Pro1688Ser). This variant is present in population databases (rs774222169, gnomAD 0.005%). This variant has not been reported in the literature in individuals affected with UBR1-related conditions. Algorithms developed to predict the effect of missense changes on protein structure and function (SIFT, PolyPhen-2, Align-GVGD) all suggest that this variant is likely to be tolerated. In summary, the available evidence is currently insufficient to determine the role of this variant in disease. Therefore, it has been classified as a Variant of Uncertain Significance.